The following is an entry in ClinVar:

NM_021005.4(NR2F2):c.775C>T (p.Gln259Ter)

Gene: NR2F2 (nuclear receptor subfamily 2 group F member 2; plus strand). Cytogenetic location: 15q26.2.
Variant type: single nucleotide variant.
Coding change: c.775C>T on transcript NM_021005.4 (MANE Select); coding-DNA position 775, C replaced by T.
Protein change: p.Gln259Ter; replaces glutamine 259 with a stop codon.
Molecular consequence: nonsense.
Genome position (GRCh38, 1-based): chr15:96,334,408, C>T. VCF-style: chr15-96334408-C-T. GRCh37 (hg19) VCF-style: chr15-96877637-C-T.
Other names: c.376C>T, p.Gln126Ter (NM_001145155.2); c.316C>T, p.Gln106Ter (NM_001145156.1, NM_001145157.2); short protein forms Q106*, Q126*, Q259*.
Identifiers: ClinVar variation 2276040 (VCV002276040.2), dbSNP rs2505774793, ClinGen allele CA393931150.

ClinVar aggregate classification (germline): Pathogenic (1 of 4 stars; one submission).

Conditions:
Inborn genetic diseases. Identifiers: MedGen C0950123, MeSH D030342.

Submission:

Ambry Genetics
Classification: Pathogenic for Inborn genetic diseases. Last evaluated: 2022-03-08. Review status: criteria provided, single submitter. Criteria: Ambry Variant Classification Scheme 2023. Collection method: clinical testing. Allele origin: germline.
Comment: The c.775C>T (p.Q259*) alteration, located in exon 2 (coding exon 2) of the NR2F2 gene, consists of a C to T substitution at nucleotide position 775. This changes the amino acid from a glutamine (Q) to a stop codon at amino acid position 259. This alteration is expected to result in loss of function by premature protein truncation or nonsense-mediated mRNA decay. This variant was not reported in population-based cohorts in the Genome Aggregation Database (gnomAD). Based on the available evidence, this alteration is classified as pathogenic.

Literature cited by the submitters: PubMed 29222010; PubMed 32719394.